The following is an entry in ClinVar:

ClinVar aggregate classification (germline): Benign/Likely benign. Review status: criteria provided, multiple submitters, no conflicts (2 of 4 stars). 2 submissions from 2 submitters: Benign (1); Likely benign (1). Last evaluated 2025-04-01.

gnomAD v4.1: 20 of 1,205,372 alleles (0.0017%); highest among the groups gnomAD compares: Non-Finnish European, 0.0022%; no homozygotes.

Submissions (2):

CeGaT Center for Human Genetics Tuebingen
Classification: Likely benign. Last evaluated: 2025-04-01. Review status: criteria provided, single submitter. Criteria: CeGaT Center For Human Genetics Tuebingen Variant Classification Criteria Version 2. Collection method: clinical testing. Allele origin: germline. Affected: yes. Observed: 1 variant allele.
Comment: BRWD3: BP4, BS2

Labcorp Genetics (formerly Invitae), Labcorp
Classification: Benign. Last evaluated: 2025-02-07. Review status: criteria provided, single submitter. Criteria: Invitae Variant Classification Sherloc (09022015). Collection method: clinical testing. Allele origin: germline.

NM_153252.5(BRWD3):c.4233+8T>A

Gene: BRWD3 (bromodomain and WD repeat domain containing 3; minus strand). Cytogenetic location: Xq21.1.
Variant type: single nucleotide variant.
Coding change: c.4233+8T>A on transcript NM_153252.5 (MANE Select); 8 bases into the intron after coding-DNA position 4233, T replaced by A.
Molecular consequence: intron variant.
Genome position (GRCh38, 1-based): chrX:80,684,002, A>T on the plus strand (T>A on the coding strand, the complement: BRWD3 is on the minus strand). VCF-style: chrX-80684002-A-T. GRCh37 (hg19) VCF-style: chrX-79939501-A-T.
Identifiers: ClinVar variation 3898271 (VCV003898271.8).